The following is an entry in ClinVar:

ClinVar aggregate classification (germline): Likely benign (1 of 4 stars; one submission).

Submission:

CeGaT Center for Human Genetics Tuebingen
Classification: Likely benign. Last evaluated: 2026-02-01. Review status: criteria provided, single submitter. Criteria: CeGaT Center For Human Genetics Tuebingen Variant Classification Criteria Version 2. Collection method: clinical testing. Allele origin: germline. Affected: yes. Observed: 3 variant alleles.
Comment: SPANXN2: BP4, BP7

NM_001009615.3(SPANXN2):c.375C>T (p.Asp125=)

Gene: SPANXN2 (SPANX family member N2; minus strand). Cytogenetic location: Xq27.3.
Variant type: single nucleotide variant.
Coding change: c.375C>T on transcript NM_001009615.3 (MANE Select); coding-DNA position 375, C replaced by T.
Protein change: p.Asp125=; no amino-acid change (aspartic acid 125 retained).
Molecular consequence: synonymous variant.
Genome position (GRCh38, 1-based): chrX:143,712,203, G>A on the plus strand (C>T on the coding strand, the complement: SPANXN2 is on the minus strand). VCF-style: chrX-143712203-G-A. GRCh37 (hg19) VCF-style: chrX-142795303-G-A.
Identifiers: ClinVar variation 2661581 (VCV002661581.24), dbSNP rs1478383793, ClinGen allele CA518985162.
Genomic context (GRCh38, chrX:143,712,203, plus strand): 5'-TTCAGATGAGTCCAGGTCTTCGTCCTCCTGTGAAGATCCTTCAGATGAGTCCAGGTCTTC[G>A]TCCTCCTGTGAAGATCCTTCAGATGAGTCCAGGTCTTCGTCCTCCTGTGAAGATCCTTCA-3'
Protein context (NP_001009615.1, residues 115-135): LDSSEGSSQE[Asp125=]EDLDSSEGSS